The following is an entry in ClinVar:

NM_001372.4(DNAH9):c.8413C>T (p.Arg2805Cys)

Gene: DNAH9 (dynein axonemal heavy chain 9; plus strand). Cytogenetic location: 17p12.
Variant type: single nucleotide variant.
Coding change: c.8413C>T on transcript NM_001372.4 (MANE Select); coding-DNA position 8413, C replaced by T.
Protein change: p.Arg2805Cys; replaces arginine 2805 with cysteine.
Molecular consequence: missense variant.
Genome position (GRCh38, 1-based): chr17:11,797,786, C>T. VCF-style: chr17-11797786-C-T. GRCh37 (hg19) VCF-style: chr17-11701103-C-T.
Other names: short protein forms R2805C.
Identifiers: ClinVar variation 2052364 (VCV002052364.2), dbSNP rs774904058, ClinGen allele CA8396905.

ClinVar aggregate classification (germline): Uncertain significance (1 of 4 stars; one submission).

Allele frequency attached by ClinVar (database versions not stated): TOPMed 0.00003; gnomAD 0.00006.
gnomAD v4.1: 136 of 1,613,232 alleles (0.0084%); highest among the groups gnomAD compares: Non-Finnish European, 0.01%; no homozygotes.

Submission:

Labcorp Genetics (formerly Invitae), Labcorp
Classification: Uncertain significance. Last evaluated: 2025-01-23. Review status: criteria provided, single submitter. Criteria: Invitae Variant Classification Sherloc (09022015). Collection method: clinical testing. Allele origin: germline.
Comment: This sequence change replaces arginine, which is basic and polar, with cysteine, which is neutral and slightly polar, at codon 2805 of the DNAH9 protein (p.Arg2805Cys). This variant is present in population databases (rs774904058, gnomAD 0.005%). This variant has not been reported in the literature in individuals affected with DNAH9-related conditions. ClinVar contains an entry for this variant (Variation ID: 2052364). Invitae Evidence Modeling of protein sequence and biophysical properties (such as structural, functional, and spatial information, amino acid conservation, physicochemical variation, residue mobility, and thermodynamic stability) indicates that this missense variant is not expected to disrupt DNAH9 protein function with a negative predictive value of 80%. In summary, the available evidence is currently insufficient to determine the role of this variant in disease. Therefore, it has been classified as a Variant of Uncertain Significance.